The following is an entry in ClinVar:

ClinVar aggregate classification (germline): Pathogenic/Likely pathogenic. Review status: criteria provided, multiple submitters, no conflicts (2 of 4 stars). 2 submissions from 2 submitters: Pathogenic (1); Likely pathogenic (1). Last evaluated 2025-08-21.

Conditions:
Vitelliform macular dystrophy 2. Also called: Best Vitelliform Macular Dystrophy (BVMD); Best vitelliform macular dystrophy, multifocal; Best Macular Dystrophy; VITELLIFORM MACULAR DYSTROPHY, EARLY-ONSET; VITELLIFORM MACULAR DYSTROPHY, JUVENILE-ONSET; MACULAR DEGENERATION, POLYMORPHIC VITELLINE. Identifiers: Orphanet 1243, MedGen C2745945, MONDO:0007931, OMIM 153700.

Submissions (2):

Labcorp Genetics (formerly Invitae), Labcorp
Classification: Pathogenic. Last evaluated: 2025-08-21. Review status: criteria provided, single submitter. Criteria: Invitae Variant Classification Sherloc (09022015). Collection method: clinical testing. Allele origin: germline.
Comment: This sequence change replaces serine, which is neutral and polar, with glycine, which is neutral and non-polar, at codon 27 of the BEST1 protein (p.Ser27Gly). This variant is not present in population databases (gnomAD no frequency). This missense change has been observed in individuals with autosomal dominant Best disease (PMID: 35973442; internal data). ClinVar contains an entry for this variant (Variation ID: 1466118). Invitae Evidence Modeling of protein sequence and biophysical properties (such as structural, functional, and spatial information, amino acid conservation, physicochemical variation, residue mobility, and thermodynamic stability) indicates that this missense variant is expected to disrupt BEST1 protein function with a positive predictive value of 95%. This variant disrupts the p.Ser27 amino acid residue in BEST1. Other variant(s) that disrupt this residue have been determined to be pathogenic (PMID: 10854112, 28127548, 31570112). This suggests that this residue is clinically significant, and that variants that disrupt this residue are likely to be disease-causing. For these reasons, this variant has been classified as Pathogenic.

3billion
Classification: Likely pathogenic for Vitelliform macular dystrophy 2. Last evaluated: 2024-06-16. Review status: criteria provided, single submitter. Criteria: ACMG Guidelines, 2015. Collection method: clinical testing. Allele origin: germline. Affected: yes.
Comment: The variant is not observed in the gnomAD v4.0.0 dataset. Predicted Consequence/Location: The variant is located in a mutational hot spot and/or well-established functional domain in which established pathogenic variants have been reported. In silico tool predictions suggest damaging effect of the variant on gene or gene product [REVEL: 0.96 (>=0.6, sensitivity 0.68 and specificity 0.92); 3Cnet: 0.94 (>=0.6, sensitivity 0.72 and precision 0.9)]. The same nucleotide change resulting in the same amino acid change has been previously reported to be associated with BEST1 related disorder (ClinVar ID: VCV001466118 /PMID: 35973442).Different missense changes at the same codon (p.Ser27Arg, p.Ser27Asn, p.Ser27Thr) have been reported to be associated with BEST1 related disorder (ClinVar ID: VCV001474399 /PMID: 10854112, 28127548). Therefore, this variant is classified as Likely pathogenic according to the recommendation of ACMG/AMP guideline.

Literature cited by the submitters: PubMed 35973442 (cited by Labcorp Genetics (formerly Invitae), Labcorp and 3billion); PubMed 10854112 (cited by Labcorp Genetics (formerly Invitae), Labcorp and 3billion); PubMed 28127548 (cited by Labcorp Genetics (formerly Invitae), Labcorp); PubMed 31570112 (cited by Labcorp Genetics (formerly Invitae), Labcorp).

NM_004183.4(BEST1):c.79A>G (p.Ser27Gly)

Gene: BEST1 (bestrophin 1; plus strand). Cytogenetic location: 11q12.3.
Variant type: single nucleotide variant.
Coding change: c.79A>G on transcript NM_004183.4 (MANE Select); coding-DNA position 79, A replaced by G.
Protein change: p.Ser27Gly; replaces serine 27 with glycine.
Molecular consequence: missense variant. On other transcripts: intron variant (6), non-coding transcript variant (1).
Genome position (GRCh38, 1-based): chr11:61,951,885, A>G. VCF-style: chr11-61951885-A-G. GRCh37 (hg19) VCF-style: chr11-61719357-A-G.
Other names: c.-29+1458A>G (NM_001300786.2, NM_001440575.1, NM_001440576.1 and 3 more transcripts); c.79A>G, p.Ser27Gly (NM_001363592.2, NM_001440571.1, NM_001440572.1 and 1 more transcripts); short protein forms S27G.
Identifiers: ClinVar variation 1466118 (VCV001466118.9), dbSNP rs2134409684, ClinGen allele CA380831557.